The following is an entry in ClinVar:

ClinVar aggregate classification (germline): Pathogenic (1 of 4 stars; one submission).

Submission:

GeneDx
Classification: Pathogenic. Last evaluated: 2022-11-16. Review status: criteria provided, single submitter. Criteria: GeneDx Variant Classification Process June 2021. Collection method: clinical testing. Allele origin: germline. Affected: yes.
Comment: Frameshift variant predicted to result in protein truncation or nonsense mediated decay in a gene for which loss of function is a known mechanism of disease; Not observed at significant frequency in large population cohorts (gnomAD); Has not been previously published as pathogenic or benign to our knowledge

NM_001292034.3(TAB2):c.608_609insA (p.Val204fs)

Gene: TAB2 (TGF-beta activated kinase 1 (MAP3K7) binding protein 2; plus strand). Cytogenetic location: 6q25.1.
Variant type: Insertion.
Coding change: c.608_609insA on transcript NM_001292034.3 (MANE Select); coding-DNA positions 608 to 609, A inserted.
Protein change: p.Val204fs; shifts the reading frame from valine 204.
Molecular consequence: frameshift variant.
Genome position: GRCh38 VCF-style: chr6-149378523-C-CA. GRCh37 (hg19) VCF-style: chr6-149699659-C-CA.
Other names: c.512_513insA, p.Val172fs (NM_001292035.3); c.608_609insA, p.Val204fs (NM_001369506.1, NM_015093.6); short protein forms V172fs, V204fs.
Identifiers: ClinVar variation 1802104 (VCV001802104.1), dbSNP rs2483387574, ClinGen allele CA2580075192.